The following is an entry in ClinVar:

ClinVar aggregate classification (germline): Uncertain significance (1 of 4 stars; one submission).

Allele frequency attached by ClinVar (database versions not stated): gnomAD exomes below 0.00001; TOPMed below 0.00001; gnomAD 0.00001.
gnomAD v4.1: 2 of 1,283,444 alleles (0.00016%); highest among the groups gnomAD compares: Non-Finnish European, 0.00011%; no homozygotes.

Submission:

Labcorp Genetics (formerly Invitae), Labcorp
Classification: Uncertain significance. Last evaluated: 2022-07-19. Review status: criteria provided, single submitter. Criteria: Invitae Variant Classification Sherloc (09022015). Collection method: clinical testing. Allele origin: germline.
Comment: This variant is not present in population databases (gnomAD no frequency). This sequence change replaces leucine, which is neutral and non-polar, with proline, which is neutral and non-polar, at codon 654 of the IL12RB2 protein (p.Leu654Pro). This variant has not been reported in the literature in individuals affected with IL12RB2-related conditions. In summary, the available evidence is currently insufficient to determine the role of this variant in disease. Therefore, it has been classified as a Variant of Uncertain Significance. Algorithms developed to predict the effect of missense changes on protein structure and function are either unavailable or do not agree on the potential impact of this missense change (SIFT: "Deleterious"; PolyPhen-2: "Probably Damaging"; Align-GVGD: "Class C15"). ClinVar contains an entry for this variant (Variation ID: 1486222).

NM_001374259.2(IL12RB2):c.1961T>C (p.Leu654Pro)

Gene: IL12RB2 (interleukin 12 receptor subunit beta 2; plus strand). Cytogenetic location: 1p31.3.
Variant type: single nucleotide variant.
Coding change: c.1961T>C on transcript NM_001374259.2 (MANE Select); coding-DNA position 1961, T replaced by C.
Protein change: p.Leu654Pro; replaces leucine 654 with proline.
Molecular consequence: missense variant. On other transcripts: non-coding transcript variant (2), intron variant (3).
Genome position (GRCh38, 1-based): chr1:67,390,043, T>C. VCF-style: chr1-67390043-T-C. GRCh37 (hg19) VCF-style: chr1-67855726-T-C.
Other names: c.1703T>C, p.Leu568Pro (NM_001258215.1); c.1961T>C, p.Leu654Pro (NM_001559.3); c.1946+3374T>C (NM_001258214.1, NM_001319233.1); c.1856-5504T>C (NM_001258216.1); short protein forms L568P, L654P.
Identifiers: ClinVar variation 1486222 (VCV001486222.8), dbSNP rs1385957091, ClinGen allele CA340733967.